The following is an entry in ClinVar:

ClinVar aggregate classification (germline): Conflicting classifications of pathogenicity. Review status: criteria provided, conflicting classifications (1 of 4 stars). 4 submissions from 4 submitters: Pathogenic (1); Likely pathogenic (2); Uncertain significance (1). Last evaluated 2026-01-26.

Conditions:
Neurofibromatosis, type 1 (NF1). Also called: NEUROFIBROMATOSIS, TYPE I, SOMATIC; Peripheral type neurofibromatosis; Neurofibromatosis, type I; VON RECKLINGHAUSEN DISEASE. Identifiers: Orphanet 636, MedGen C0027831, MONDO:0018975, OMIM 162200. Disease mechanism: loss of function.

Submissions (4):

Medical and Scientific Branch, Hong Kong Genome Institute
Classification: Likely pathogenic for Neurofibromatosis, type 1. Last evaluated: 2026-01-26. Review status: criteria provided, single submitter. Criteria: ACMG Guidelines, 2015. Collection method: clinical testing. Allele origin: de novo. Affected: yes.

Labcorp Genetics (formerly Invitae), Labcorp
Classification: Pathogenic for Neurofibromatosis, type 1. Last evaluated: 2025-01-27. Review status: criteria provided, single submitter. Criteria: Invitae Variant Classification Sherloc (09022015). Collection method: clinical testing. Allele origin: germline.
Comment: This sequence change replaces leucine, which is neutral and non-polar, with arginine, which is basic and polar, at codon 2321 of the NF1 protein (p.Leu2321Arg). This variant is not present in population databases (gnomAD no frequency). This missense change has been observed in individual(s) with neurofibromatosis type 1 (PMID: 37751797; internal data). ClinVar contains an entry for this variant (Variation ID: 1320892). Invitae Evidence Modeling of protein sequence and biophysical properties (such as structural, functional, and spatial information, amino acid conservation, physicochemical variation, residue mobility, and thermodynamic stability) indicates that this missense variant is expected to disrupt NF1 protein function with a positive predictive value of 95%. This variant disrupts the p.Leu2321 amino acid residue in NF1. Other variant(s) that disrupt this residue have been determined to be pathogenic (internal data). This suggests that this residue is clinically significant, and that variants that disrupt this residue are likely to be disease-causing. For these reasons, this variant has been classified as Pathogenic.

Medical Genetics, University of Parma
Classification: Likely pathogenic for Neurofibromatosis, type 1. Last evaluated: 2022-08-17. Review status: criteria provided, single submitter. Criteria: ACMG Guidelines, 2015. Collection method: clinical testing. Allele origin: germline. Inheritance: Autosomal dominant inheritance. Affected: yes.

GeneDx
Classification: Uncertain significance. Last evaluated: 2019-11-19. Review status: criteria provided, single submitter. Criteria: GeneDx Variant Classification Process June 2021. Collection method: clinical testing. Allele origin: germline. Affected: yes.
Comment: Not observed in large population cohorts (Lek 2016); In silico analysis, which includes protein predictors and evolutionary conservation, supports a deleterious effect; Has not been previously published as pathogenic or benign to our knowledge

Literature cited by the submitters: PubMed 37751797 (cited by Labcorp Genetics (formerly Invitae), Labcorp).

NM_001042492.3(NF1):c.7025T>G (p.Leu2342Arg)

Gene: NF1 (neurofibromin 1; plus strand). Cytogenetic location: 17q11.2.
Variant type: single nucleotide variant.
Coding change: c.7025T>G on transcript NM_001042492.3 (MANE Select); coding-DNA position 7025, T replaced by G.
Protein change: p.Leu2342Arg; replaces leucine 2342 with arginine.
Molecular consequence: missense variant.
Genome position (GRCh38, 1-based): chr17:31,340,608, T>G. VCF-style: chr17-31340608-T-G. GRCh37 (hg19) VCF-style: chr17-29667626-T-G.
Other names: c.6962T>G, p.Leu2321Arg (NM_000267.4); short protein forms L2321R, L2342R.
Identifiers: ClinVar variation 1320892 (VCV001320892.7), dbSNP rs2151561874, ClinGen allele CA399015089.